The following is an entry in ClinVar:

NM_017570.5(OPLAH):c.684C>T (p.Ile228=)

Gene: OPLAH (5-oxoprolinase, ATP-hydrolysing; minus strand). Cytogenetic location: 8q24.3.
Variant type: single nucleotide variant.
Coding change: c.684C>T on transcript NM_017570.5 (MANE Select); coding-DNA position 684, C replaced by T.
Protein change: p.Ile228=; no amino-acid change (isoleucine 228 retained).
Molecular consequence: synonymous variant.
Genome position (GRCh38, 1-based): chr8:144,058,595, G>A on the plus strand (C>T on the coding strand, the complement: OPLAH is on the minus strand). VCF-style: chr8-144058595-G-A. GRCh37 (hg19) VCF-style: chr8-145113498-G-A.
Other names: c.684C>T (NM_017570.4).
Identifiers: ClinVar variation 2119052 (VCV002119052.5), dbSNP rs376370162, ClinGen allele CA4932201.
Genomic context (GRCh38, chr8:144,058,595, plus strand): 5'-GTAGCGCTGGATGGCGGGCGTGAGGTAGGCGTCGGCACAGGCCGTGTGCCCCCGAGGGAC[G>A]ATGCGCACCATGGGCATGGCCTCCGAGGACAGTGACACGTGCGTGAAGCCCAGCTCCCGG-3'
Protein context (NP_060040.1, residues 218-238): LSSEAMPMVR[Ile228=]VPRGHTACAD

ClinVar aggregate classification (germline): Likely benign. Review status: criteria provided, multiple submitters, no conflicts (2 of 4 stars). 2 submissions from 2 submitters: Likely benign (2). Last evaluated 2026-01-12.

Conditions:
5-Oxoprolinase deficiency (OPLAHD). Also called: 5-OXOPROLINURIA DUE TO 5-OXOPROLINASE DEFICIENCY. Identifiers: Orphanet 33572, MedGen C0268525, MONDO:0009825, OMIM 260005, HP:0040142.
OPLAH-related disorder. Also called: OPLAH-related condition.

Allele frequency attached by ClinVar (database versions not stated): gnomAD exomes 0.00011; ExAC 0.00024; ESP Exome Variant Server 0.00039; gnomAD 0.00052; TOPMed 0.00060; 1000 Genomes Project 0.00140; 1000 Genomes Project 30x 0.00187.
gnomAD v4.1: 241 of 1,603,144 alleles (0.015%); highest among the groups gnomAD compares: African/African-American, 0.16%; no homozygotes.

Submissions (2):

Labcorp Genetics (formerly Invitae), Labcorp
Classification: Likely benign for 5-Oxoprolinase deficiency. Last evaluated: 2026-01-12. Review status: criteria provided, single submitter. Criteria: Invitae Variant Classification Sherloc (09022015). Collection method: clinical testing. Allele origin: germline.

PreventionGenetics, part of Exact Sciences
Classification: Likely benign for OPLAH-related condition. Last evaluated: 2025-08-05. Review status: criteria provided, single submitter. Criteria: ACMG Guidelines, 2015. Collection method: clinical testing. Allele origin: germline.
Comment: This variant is classified as likely benign based on ACMG/AMP sequence variant interpretation guidelines (Richards et al. 2015 PMID: 25741868, with internal and published modifications).